The following is an entry in ClinVar:

NM_000350.3(ABCA4):c.4254-40G>A

Gene: ABCA4 (ATP binding cassette subfamily A member 4; minus strand). Cytogenetic location: 1p22.1.
Variant type: single nucleotide variant.
Coding change: c.4254-40G>A on transcript NM_000350.3 (MANE Select); 40 bases into the intron before coding-DNA position 4254, G replaced by A.
Molecular consequence: intron variant.
Genome position (GRCh38, 1-based): chr1:94,030,566, C>T on the plus strand (G>A on the coding strand, the complement: ABCA4 is on the minus strand). VCF-style: chr1-94030566-C-T. GRCh37 (hg19) VCF-style: chr1-94496122-C-T.
Other names: c.4032-40G>A (NM_001425324.1).
Identifiers: ClinVar variation 5000092 (VCV005000092.1).

ClinVar aggregate classification (germline): Likely benign (1 of 4 stars; one submission).

Conditions:
ABCA4-related disorder. Also called: ABCA4-related condition; ABCA4-related disorders. Identifiers: MedGen CN239167.

gnomAD v4.1: 67 of 1,579,322 alleles (0.0042%); highest among the groups gnomAD compares: African/African-American, 0.071%; no homozygotes.

Submission:

PreventionGenetics, part of Exact Sciences
Classification: Likely benign for ABCA4-related condition. Last evaluated: 2024-10-04. Review status: criteria provided, single submitter. Criteria: ACMG Guidelines, 2015. Collection method: clinical testing. Allele origin: germline.
Comment: This variant is classified as likely benign based on ACMG/AMP sequence variant interpretation guidelines (Richards et al. 2015 PMID: 25741868, with internal and published modifications).